The following is an entry in ClinVar:

NM_000038.6(APC):c.531+1313C>G

Gene: APC (APC regulator of WNT signaling pathway; plus strand). Cytogenetic location: 5q22.2.
Variant type: single nucleotide variant.
Coding change: c.531+1313C>G on transcript NM_000038.6 (MANE Select); 1313 bases into the intron after coding-DNA position 531, C replaced by G.
Molecular consequence: intron variant.
Genome position (GRCh38, 1-based): chr5:112,777,050, C>G. VCF-style: chr5-112777050-C-G. GRCh37 (hg19) VCF-style: chr5-112112747-C-G.
Other names: c.531+1313C>G (NM_001354895.2, NM_001127510.3, NM_001354896.2 and 2 more transcripts); c.561+1313C>G (NM_001354897.2, NM_001354902.2, NM_001127511.3); c.456+1313C>G (NM_001354898.2, NM_001354904.2); c.-505+1313C>G (NM_001354906.2); c.354+1313C>G (NM_001354900.2, NM_001354901.2, NM_001354905.2).
Identifiers: ClinVar variation 82917 (VCV000082917.2), dbSNP rs76382224, ClinGen allele CA010058.

ClinVar aggregate classification (germline): other (0 of 4 stars; one submission).

Conditions:
Familial colorectal cancer. Identifiers: MedGen CN280943, MONDO:0023113. Disease mechanism: loss of function.

Allele frequency attached by ClinVar (database versions not stated): gnomAD 0.00001; TOPMed 0.00001.
gnomAD v4.1: 2 of 151,978 alleles (0.0013%); highest among the groups gnomAD compares: Non-Finnish European, 0.0029%; no homozygotes.

Submission:

Systems Biology Platform Zhejiang California International NanoSystems Institute
Classification: other for Familial colorectal cancer. Review status: no assertion criteria provided. Collection method: not provided. Allele origin: unknown.
ClinVar note: Converted during submission from cancer to other.